The following is an entry in ClinVar:

ClinVar aggregate classification (germline): Likely benign (0 of 4 stars; one submission).

Conditions:
PLXNA3-related disorder. Also called: PLXNA3-related condition.

Allele frequency attached by ClinVar (database versions not stated): gnomAD exomes 0.00003; ExAC 0.00010; gnomAD 0.00013; TOPMed 0.00019; 1000 Genomes Project 30x 0.00021; ESP Exome Variant Server 0.00047.
gnomAD v4.1: 50 of 1,189,485 alleles (0.0042%); highest among the groups gnomAD compares: African/African-American, 0.042%; no homozygotes.

Submission:

PreventionGenetics, part of Exact Sciences
Classification: Likely benign for PLXNA3-related condition. Last evaluated: 2022-01-19. Review status: no assertion criteria provided. Collection method: clinical testing. Allele origin: germline.
Comment: This variant is classified as likely benign based on ACMG/AMP sequence variant interpretation guidelines (Richards et al. 2015 PMID: 25741868, with internal and published modifications).

NM_017514.5(PLXNA3):c.5607C>T (p.Ser1869=)

Gene: PLXNA3 (plexin A3; plus strand). Cytogenetic location: Xq28.
Variant type: single nucleotide variant.
Coding change: c.5607C>T on transcript NM_017514.5 (MANE Select); coding-DNA position 5607, C replaced by T.
Protein change: p.Ser1869=; no amino-acid change (serine 1869 retained).
Molecular consequence: synonymous variant.
Genome position (GRCh38, 1-based): chrX:154,472,676, C>T. VCF-style: chrX-154472676-C-T. GRCh37 (hg19) VCF-style: chrX-153701019-C-T.
Identifiers: ClinVar variation 3054315 (VCV003054315.2), dbSNP rs142629148, ClinGen allele CA10565166.